The following is an entry in ClinVar:

NM_005422.4(TECTA):c.3569C>A (p.Pro1190His)

Genes: TBCEL-TECTA (TBCEL-TECTA readthrough; plus strand), TECTA (tectorin alpha; plus strand). Cytogenetic location: 11q23.3.
Variant type: single nucleotide variant.
Coding change: c.3569C>A on transcript NM_005422.4 (MANE Select); coding-DNA position 3569, C replaced by A.
Protein change: p.Pro1190His; replaces proline 1190 with histidine.
Molecular consequence: missense variant.
Genome position (GRCh38, 1-based): chr11:121,145,580, C>A. VCF-style: chr11-121145580-C-A. GRCh37 (hg19) VCF-style: chr11-121016289-C-A.
Other names: c.4526C>A, p.Pro1509His (NM_001378761.1); short protein forms P1190H, P1509H.
Identifiers: ClinVar variation 3058033 (VCV003058033.2), dbSNP rs944484670, ClinGen allele CA229831117.

ClinVar aggregate classification (germline): Uncertain significance (0 of 4 stars; one submission).

Conditions:
TECTA-related disorder. Also called: TECTA-related condition.

Allele frequency attached by ClinVar (database versions not stated): TOPMed 0.00001.

Submission:

PreventionGenetics, part of Exact Sciences
Classification: Uncertain significance for TECTA-related condition. Last evaluated: 2023-10-18. Review status: no assertion criteria provided. Collection method: clinical testing. Allele origin: germline.
Comment: The TECTA c.3569C>A variant is predicted to result in the amino acid substitution p.Pro1190His. To our knowledge, this variant has not been reported in the literature or in a large population database, indicating this variant is rare. At this time, the clinical significance of this variant is uncertain due to the absence of conclusive functional and genetic evidence.